The following is an entry in ClinVar:

ClinVar aggregate classification (germline): Uncertain significance. Review status: criteria provided, multiple submitters, no conflicts (2 of 4 stars). 2 submissions from 2 submitters: Uncertain significance (2). Last evaluated 2022-09-06.

Allele frequency attached by ClinVar (database versions not stated): gnomAD 0.00003; TOPMed 0.00001; gnomAD exomes 0.00002; ExAC 0.00003.
gnomAD v4.1: 26 of 1,579,332 alleles (0.0016%); highest among the groups gnomAD compares: Middle Eastern, 0.017%; no homozygotes.

Submissions (2):

Labcorp Genetics (formerly Invitae), Labcorp
Classification: Uncertain significance. Last evaluated: 2022-09-06. Review status: criteria provided, single submitter. Criteria: Invitae Variant Classification Sherloc (09022015). Collection method: clinical testing. Allele origin: germline.
Comment: In summary, the available evidence is currently insufficient to determine the role of this variant in disease. Therefore, it has been classified as a Variant of Uncertain Significance. Algorithms developed to predict the effect of sequence changes on RNA splicing suggest that this variant may create or strengthen a splice site. Algorithms developed to predict the effect of missense changes on protein structure and function output the following: SIFT: "Tolerated"; PolyPhen-2: "Possibly Damaging"; Align-GVGD: "Class C0". The cysteine amino acid residue is found in multiple mammalian species, which suggests that this missense change does not adversely affect protein function. ClinVar contains an entry for this variant (Variation ID: 166759). This missense change has been observed in individual(s) with retinitis pigmentosa (PMID: 25268133). The frequency data for this variant in the population databases is considered unreliable, as metrics indicate poor data quality at this position in the gnomAD database. This sequence change replaces arginine, which is basic and polar, with cysteine, which is neutral and slightly polar, at codon 1250 of the PCARE protein (p.Arg1250Cys).

Eurofins Ntd Llc (ga)
Classification: Uncertain significance. Last evaluated: 2014-01-30. Review status: criteria provided, single submitter. Criteria: EGL Classification Definitions 2015. Collection method: clinical testing. Allele origin: germline. Observed: 1 variant allele, 1 heterozygote.

Literature cited by the submitters: PubMed 25268133 (cited by Labcorp Genetics (formerly Invitae), Labcorp).

NM_001029883.3(PCARE):c.3748C>T (p.Arg1250Cys)

Gene: PCARE (photoreceptor cilium actin regulator; minus strand). Cytogenetic location: 2p23.2.
Variant type: single nucleotide variant.
Coding change: c.3748C>T on transcript NM_001029883.3 (MANE Select); coding-DNA position 3748, C replaced by T.
Protein change: p.Arg1250Cys; replaces arginine 1250 with cysteine.
Molecular consequence: missense variant.
Genome position (GRCh38, 1-based): chr2:29,064,988, G>A on the plus strand (C>T on the coding strand, the complement: PCARE is on the minus strand). VCF-style: chr2-29064988-G-A. GRCh37 (hg19) VCF-style: chr2-29287854-G-A.
Other names: short protein forms R1250C.
Identifiers: ClinVar variation 166759 (VCV000166759.15), dbSNP rs727503829, ClinGen allele CA233553.
Genomic context (GRCh38, chr2:29,064,988, plus strand): 5'-CGGTCCGAGGCTCCGGTTGCAGCCCGTGGCCCAGCACACAGAACTCTGGGGGAGATGCAC[G>A]CCTGGTGCCGCCCTGCAGTTCAGGGGAACAGGGGCTGCTCCCCGGCTCTGTGTCCTTCTT-3'
Protein context (NP_001025054.1, residues 1240-1260): CSPELQGGTR[Arg1250Cys]ASPPEFCVLG